The following is an entry in ClinVar:

ClinVar aggregate classification (germline): Uncertain significance (1 of 4 stars; one submission).

Conditions:
Hereditary nonpolyposis colorectal neoplasms. Identifiers: MedGen C0009405, MeSH D003123.

Submission:

Labcorp Genetics (formerly Invitae), Labcorp
Classification: Uncertain significance for Hereditary nonpolyposis colorectal neoplasms. Last evaluated: 2022-08-08. Review status: criteria provided, single submitter. Criteria: Invitae Variant Classification Sherloc (09022015). Collection method: clinical testing. Allele origin: germline.
Comment: In summary, the available evidence is currently insufficient to determine the role of this variant in disease. Therefore, it has been classified as a Variant of Uncertain Significance. Advanced modeling of protein sequence and biophysical properties (such as structural, functional, and spatial information, amino acid conservation, physicochemical variation, residue mobility, and thermodynamic stability) performed at Invitae indicates that this missense variant is expected to disrupt MSH6 protein function. This variant has not been reported in the literature in individuals affected with MSH6-related conditions. This variant is not present in population databases (gnomAD no frequency). This sequence change replaces alanine, which is neutral and non-polar, with serine, which is neutral and polar, at codon 1302 of the MSH6 protein (p.Ala1302Ser).

NM_000179.3(MSH6):c.3904G>T (p.Ala1302Ser)

Gene: MSH6 (mutS homolog 6; plus strand). Cytogenetic location: 2p16.3.
Variant type: single nucleotide variant.
Coding change: c.3904G>T on transcript NM_000179.3 (MANE Select); coding-DNA position 3904, G replaced by T.
Protein change: p.Ala1302Ser; replaces alanine 1302 with serine.
Molecular consequence: missense variant.
Genome position (GRCh38, 1-based): chr2:47,806,554, G>T. VCF-style: chr2-47806554-G-T. GRCh37 (hg19) VCF-style: chr2-48033693-G-T.
Other names: c.3514G>T, p.Ala1172Ser (NM_001281492.2); c.2998G>T, p.Ala1000Ser (NM_001281493.2, NM_001281494.2, NM_001406811.1 and 6 more transcripts); c.4000G>T, p.Ala1334Ser (NM_001406795.1); c.3904G>T, p.Ala1302Ser (NM_001406796.1, NM_001406808.1, NM_001406809.1); c.3607G>T, p.Ala1203Ser (NM_001406797.1, NM_001406801.1, NM_001406805.1 and 10 more transcripts); c.3730G>T, p.Ala1244Ser (NM_001406798.1); c.3379G>T, p.Ala1127Ser (NM_001406799.1, NM_001406806.1, NM_001406807.1); c.3891G>T, p.Met1297Ile (NM_001406800.1); and 8 more; short protein forms A1000S, A1014S, A1127S, A1172S, A1203S, A1244S, A1246S, A1276S.
Identifiers: ClinVar variation 1715652 (VCV001715652.6), dbSNP rs1553333561, ClinGen allele CA346761431.